The following is an entry in ClinVar:

ClinVar aggregate classification (germline): Uncertain significance. Review status: criteria provided, multiple submitters, no conflicts (2 of 4 stars). 3 submissions from 3 submitters: Uncertain significance (3). Last evaluated 2025-11-17.

Conditions:
Familial hypobetalipoproteinemia 1. Also called: Hypobetalipoproteinemia, normotriglyceridemic; Acanthocytosis with hypobetalipoproteinemia; APOB-Related Familial Hypobetalipoproteinemia. Identifiers: MedGen C4551990, MONDO:0014252, OMIM 615558.
Hypercholesterolemia, autosomal dominant, type B (FHCL2). Also called: Familial hypercholesterolemia 2; Familial Hypercholesterolemia Type B; APOLIPOPROTEIN B-100, FAMILIAL DEFECTIVE; APOLIPOPROTEIN B-100, FAMILIAL LIGAND-DEFECTIVE; HYPERCHOLESTEROLEMIA, FAMILIAL, DUE TO LIGAND-DEFECTIVE APOLIPOPROTEIN B; Hyperlipoproteinemia Type IIb. Identifiers: MedGen C1704417, MONDO:0007751, OMIM 144010.
Cardiovascular phenotype. Identifiers: MedGen CN230736.

Submissions (3):

Labcorp Genetics (formerly Invitae), Labcorp
Classification: Uncertain significance for Familial hypobetalipoproteinemia 1; Hypercholesterolemia, autosomal dominant, type B. Last evaluated: 2025-11-17. Review status: criteria provided, single submitter. Criteria: Invitae Variant Classification Sherloc (09022015). Collection method: clinical testing. Allele origin: germline.
Comment: This sequence change replaces threonine, which is neutral and polar, with serine, which is neutral and polar, at codon 3187 of the APOB protein (p.Thr3187Ser). This variant is not present in population databases (gnomAD no frequency). This variant has not been reported in the literature in individuals affected with APOB-related conditions. ClinVar contains an entry for this variant (Variation ID: 3572080). Invitae Evidence Modeling of protein sequence and biophysical properties (such as structural, functional, and spatial information, amino acid conservation, physicochemical variation, residue mobility, and thermodynamic stability) indicates that this missense variant is not expected to disrupt APOB protein function with a negative predictive value of 95%. In summary, the available evidence is currently insufficient to determine the role of this variant in disease. Therefore, it has been classified as a Variant of Uncertain Significance.

Ambry Genetics
Classification: Uncertain significance for Cardiovascular phenotype. Last evaluated: 2025-08-28. Review status: criteria provided, single submitter. Criteria: Ambry Variant Classification Scheme 2023. Collection method: clinical testing. Allele origin: germline.
Comment: The p.T3187S variant (also known as c.9559A>T), located in coding exon 26 of the APOB gene, results from an A to T substitution at nucleotide position 9559. The threonine at codon 3187 is replaced by serine, an amino acid with similar properties. This amino acid position is conserved. In addition, this alteration is predicted to be tolerated by in silico analysis. Based on the available evidence, the clinical significance of this variant remains unclear.

Quest Diagnostics Nichols Institute San Juan Capistrano
Classification: Uncertain significance. Last evaluated: 2024-10-21. Review status: criteria provided, single submitter. Criteria: Quest Diagnostics criteria. Collection method: clinical testing. Allele origin: unknown.
Comment: The APOB c.9559A>T (p.Thr3187Ser) variant has not been reported in individuals with APOB-related conditions in the published literature. It also has not been reported in large, multi-ethnic general populations (Genome Aggregation Database). Analysis of this variant using bioinformatics tools for the prediction of the effect of amino acid changes on protein structure and function yielded predictions that this variant is benign. Based on the available information, we are unable to determine the clinical significance of this variant.

NM_000384.3(APOB):c.9559A>T (p.Thr3187Ser)

Gene: APOB (apolipoprotein B; minus strand). Cytogenetic location: 2p24.1.
Variant type: single nucleotide variant.
Coding change: c.9559A>T on transcript NM_000384.3 (MANE Select); coding-DNA position 9559, A replaced by T.
Protein change: p.Thr3187Ser; replaces threonine 3187 with serine.
Molecular consequence: missense variant.
Genome position (GRCh38, 1-based): chr2:21,007,309, T>A on the plus strand (A>T on the coding strand, the complement: APOB is on the minus strand). VCF-style: chr2-21007309-T-A. GRCh37 (hg19) VCF-style: chr2-21230181-T-A.
Other names: short protein forms T3187S.
Identifiers: ClinVar variation 3572080 (VCV003572080.4).